The following is an entry in ClinVar:

ClinVar aggregate classification (germline): Uncertain significance (1 of 4 stars; one submission).

Submission:

Labcorp Genetics (formerly Invitae), Labcorp
Classification: Uncertain significance. Last evaluated: 2022-08-21. Review status: criteria provided, single submitter. Criteria: Invitae Variant Classification Sherloc (09022015). Collection method: clinical testing. Allele origin: germline.
Comment: In summary, the available evidence is currently insufficient to determine the role of this variant in disease. Therefore, it has been classified as a Variant of Uncertain Significance. This sequence change replaces cysteine, which is neutral and slightly polar, with phenylalanine, which is neutral and non-polar, at codon 1170 of the SORL1 protein (p.Cys1170Phe). This variant is not present in population databases (gnomAD no frequency). This variant has not been reported in the literature in individuals affected with SORL1-related conditions. Algorithms developed to predict the effect of missense changes on protein structure and function are either unavailable or do not agree on the potential impact of this missense change (SIFT: "Deleterious"; PolyPhen-2: "Probably Damaging"; Align-GVGD: "Class C0").

NM_003105.6(SORL1):c.3509G>T (p.Cys1170Phe)

Gene: SORL1 (sortilin related receptor 1; plus strand). Cytogenetic location: 11q24.1.
Variant type: single nucleotide variant.
Coding change: c.3509G>T on transcript NM_003105.6 (MANE Select); coding-DNA position 3509, G replaced by T.
Protein change: p.Cys1170Phe; replaces cysteine 1170 with phenylalanine.
Molecular consequence: missense variant.
Genome position (GRCh38, 1-based): chr11:121,577,329, G>T. VCF-style: chr11-121577329-G-T. GRCh37 (hg19) VCF-style: chr11-121448038-G-T.
Other names: short protein forms C1170F.
Identifiers: ClinVar variation 1717359 (VCV001717359.5), dbSNP rs2496927623, ClinGen allele CA383024821.